The following is an entry in ClinVar:

ClinVar aggregate classification (germline): Benign/Likely benign. Review status: criteria provided, multiple submitters, no conflicts (2 of 4 stars). 7 submissions from 7 submitters: Benign (1); Likely benign (6). Last evaluated 2026-03-27.

Conditions:
Arrhythmogenic right ventricular cardiomyopathy (ARVD). Also called: Cardiomyopathy, ARVC; Arrhythmogenic right ventricular dysplasia; Arrhythmogenic cardiomyopathy; Arrhythmogenic Right Ventricular Cardiomyopathy (ARVC). Identifiers: Orphanet 247, MedGen C0349788, MeSH D019571, MONDO:0016587. Disease mechanism: loss of function. Inheritance: Various modes of inheritance.
Arrhythmogenic right ventricular dysplasia 9 (ARVD9). Also called: Arrhythmogenic Right Ventricular Dysplasia/Cardiomyopathy 9; ARRHYTHMOGENIC RIGHT VENTRICULAR DYSPLASIA, FAMILIAL, 9. Identifiers: MedGen C1836906, MONDO:0012180, OMIM 609040.
Cardiomyopathy (CMYO). Also called: Cardiomyopathies. Identifiers: Orphanet 167848, MedGen C0878544, MONDO:0004994, HP:0001638. Inheritance: Various modes of inheritance.
Cardiovascular phenotype. Identifiers: MedGen CN230736.

Allele frequency attached by ClinVar (database versions not stated): gnomAD exomes 0.00002 and 0.00004; ExAC 0.00004; gnomAD 0.00005; TOPMed 0.00006.
gnomAD v4.1: 30 of 1,613,556 alleles (0.0019%); highest among the groups gnomAD compares: East Asian, 0.038%; no homozygotes.

Submissions (7):

Molecular Diagnostic Laboratory for Inherited Cardiovascular Disease, Montreal Heart Institute
Classification: Likely benign. Last evaluated: 2026-03-27. Review status: criteria provided, single submitter. Criteria: ACMG Guidelines, 2015. Collection method: clinical testing. Allele origin: germline. Affected: no.
Comment: BP7

Labcorp Genetics (formerly Invitae), Labcorp
Classification: Likely benign for Arrhythmogenic right ventricular dysplasia 9. Last evaluated: 2026-01-18. Review status: criteria provided, single submitter. Criteria: Invitae Variant Classification Sherloc (09022015). Collection method: clinical testing. Allele origin: germline.

All of Us Research Program, National Institutes of Health
Classification: Likely benign for Arrhythmogenic right ventricular cardiomyopathy. Last evaluated: 2023-11-30. Review status: criteria provided, single submitter. Criteria: ACMG Guidelines, 2015. Collection method: clinical testing. Allele origin: germline. Inheritance: Autosomal dominant inheritance. Observed: 6 variant alleles, 6 heterozygotes.
Comment: This study involves interpretation of variants in research participants for the purpose of population health screening. Participant phenotype was not available at the time of variant classification. Additional details can be found in publication PMID: 35346344, PMCID: PMC8962531

Blueprint Genetics
Classification: Likely benign. Last evaluated: 2023-10-18. Review status: criteria provided, single submitter. Criteria: ACMG Guidelines, 2015. Collection method: clinical testing. Allele origin: germline.

Ambry Genetics
Classification: Likely benign for Cardiovascular phenotype. Last evaluated: 2019-06-29. Review status: criteria provided, single submitter. Criteria: Ambry Variant Classification Scheme 2023. Collection method: clinical testing. Allele origin: germline.

Color Diagnostics, LLC DBA Color Health
Classification: Likely benign for Cardiomyopathy. Last evaluated: 2018-11-25. Review status: criteria provided, single submitter. Criteria: ACMG Guidelines, 2015. Collection method: clinical testing. Allele origin: germline.

GeneDx
Classification: Benign. Last evaluated: 2015-07-06. Review status: criteria provided, single submitter. Criteria: GeneDx Variant Classification Process June 2021. Collection method: clinical testing. Allele origin: germline. Affected: yes.

NM_001005242.3(PKP2):c.1137C>T (p.His379=)

Gene: PKP2 (plakophilin 2; minus strand). Cytogenetic location: 12p11.21.
Variant type: single nucleotide variant.
Coding change: c.1137C>T on transcript NM_001005242.3 (MANE Select); coding-DNA position 1137, C replaced by T.
Protein change: p.His379=; no amino-acid change (histidine 379 retained).
Molecular consequence: synonymous variant.
Genome position (GRCh38, 1-based): chr12:32,868,960, G>A on the plus strand (C>T on the coding strand, the complement: PKP2 is on the minus strand). VCF-style: chr12-32868960-G-A. GRCh37 (hg19) VCF-style: chr12-33021894-G-A.
Other names: c.1137C>T (NM_001005242.2); c.1137C>T, p.His379= (NM_004572.4).
Identifiers: ClinVar variation 920724 (VCV000920724.17), dbSNP rs754927123, ClinGen allele CA027127.
Genomic context (GRCh38, chr12:32,868,960, plus strand): 5'-TTGCAATGGACTGAAGATGACACTCACCCTCTTCCGAGCTTCAGATTTCTGGAAGCACTC[G>A]TGCTGTATGAAAGTAGCTGCAGCAGAAATCCTGGATGGCAGCATGTGGTCTGCCTCGAGC-3'
Protein context (NP_001005242.2, residues 369-389): RISAAATFIQ[His379=]ECFQKSEARK